The following is an entry in ClinVar:

NM_003060.4(SLC22A5):c.391G>A (p.Glu131Lys)

Gene: SLC22A5 (solute carrier family 22 member 5; plus strand). Cytogenetic location: 5q31.1.
Variant type: single nucleotide variant.
Coding change: c.391G>A on transcript NM_003060.4 (MANE Select); coding-DNA position 391, G replaced by A.
Protein change: p.Glu131Lys; replaces glutamic acid 131 with lysine.
Molecular consequence: missense variant.
Genome position (GRCh38, 1-based): chr5:132,370,363, G>A. VCF-style: chr5-132370363-G-A. GRCh37 (hg19) VCF-style: chr5-131706055-G-A.
Other names: p.Glu131Lys; c.391G>A, p.Glu131Lys (NM_001308122.2); c.391G>A (NM_003060.3); short protein forms E131K.
Identifiers: ClinVar variation 1429538 (VCV001429538.28), dbSNP rs1321705165, ClinGen allele CA360802960.
Genomic context (GRCh38, chr5:132,370,363, plus strand): 5'-GAGAGCTGTCTGGATGGCTGGGAGTTCAGTCAGGACGTCTACCTGTCCACCATTGTGACC[G>A]AGGTGGGTGCCGGCCCCTGCTGGGGCTGAGACCAGGGCTCGGAGGACCTGTCGCGGTCCT-3'
Protein context (NP_003051.1, residues 121-141): QDVYLSTIVT[Glu131Lys]WNLVCEDDWK

ClinVar aggregate classification (germline): Uncertain significance. Review status: criteria provided, multiple submitters, no conflicts (2 of 4 stars). 7 submissions from 7 submitters: Uncertain significance (7). Last evaluated 2024-06-01.

Conditions:
Renal carnitine transport defect (CDSP). Also called: CARNITINE DEFICIENCY, SYSTEMIC, DUE TO DEFECT IN RENAL REABSORPTION OF CARNITINE; CARNITINE TRANSPORTER, PLASMA-MEMBRANE, DEFICIENCY OF; CARNITINE UPTAKE DEFECT; Carnitine Deficiency, Systemic; Primary carnitine deficiency; Systemic primary carnitine deficiency disease. Identifiers: Orphanet 158, MedGen C0342788, MONDO:0008919, OMIM 212140.

Allele frequency attached by ClinVar (database versions not stated): gnomAD 0.00001; gnomAD exomes 0.00002; TOPMed 0.00002.
gnomAD v4.1: 15 of 1,611,868 alleles (0.00093%); highest among the groups gnomAD compares: Middle Eastern, 0.049%; no homozygotes.

Submissions (7):

CeGaT Center for Human Genetics Tuebingen
Classification: Uncertain significance. Last evaluated: 2024-06-01. Review status: criteria provided, single submitter. Criteria: CeGaT Center For Human Genetics Tuebingen Variant Classification Criteria Version 2. Collection method: clinical testing. Allele origin: germline. Affected: yes. Observed: 1 variant allele.
Comment: SLC22A5: PM2, PP3

Genomic Medicine Center of Excellence, King Faisal Specialist Hospital and Research Centre
Classification: Uncertain significance for Carnitine deficiency, systemic primary. Last evaluated: 2024-03-14. Review status: criteria provided, single submitter. Criteria: ACMG Guidelines, 2015. Collection method: clinical testing. Allele origin: germline.

GeneDx
Classification: Uncertain significance. Last evaluated: 2023-01-25. Review status: criteria provided, single submitter. Criteria: GeneDx Variant Classification Process June 2021. Collection method: clinical testing. Allele origin: germline. Affected: yes.
Comment: Described as a non deleterious variant, with functional studies of carnitine uptake by OCNT2 in transfected cells showing no significant difference compared to wildtype (Rodin M et al., 2020); In silico analysis, which includes protein predictors and evolutionary conservation, supports a deleterious effect; Not observed at significant frequency in large population cohorts (gnomAD); This variant is associated with the following publications: (PMID: Rdin2020[DegreeProject])

Giacomini Lab, University of California, San Francisco
Classification: Uncertain significance for Renal carnitine transport defect. Last evaluated: 2022-10-03. Review status: criteria provided, single submitter. Criteria: ACMG Guidelines, 2015. Collection method: research, in vitro. Allele origin: germline, not applicable.

Labcorp Genetics (formerly Invitae), Labcorp
Classification: Uncertain significance for Renal carnitine transport defect. Last evaluated: 2022-08-09. Review status: criteria provided, single submitter. Criteria: Invitae Variant Classification Sherloc (09022015). Collection method: clinical testing. Allele origin: germline.
Comment: This sequence change replaces glutamic acid, which is acidic and polar, with lysine, which is basic and polar, at codon 131 of the SLC22A5 protein (p.Glu131Lys). The frequency data for this variant in the population databases is considered unreliable, as metrics indicate poor data quality at this position in the gnomAD database. This variant has not been reported in the literature in individuals affected with SLC22A5-related conditions. ClinVar contains an entry for this variant (Variation ID: 1429538). Algorithms developed to predict the effect of missense changes on protein structure and function (SIFT, PolyPhen-2, Align-GVGD) all suggest that this variant is likely to be disruptive. In summary, the available evidence is currently insufficient to determine the role of this variant in disease. Therefore, it has been classified as a Variant of Uncertain Significance.

Fulgent Genetics
Classification: Uncertain significance for Renal carnitine transport defect. Last evaluated: 2021-11-13. Review status: criteria provided, single submitter. Criteria: ACMG Guidelines, 2015. Collection method: clinical testing. Allele origin: unknown.

Breakthrough Genomics
Classification: Uncertain significance. Review status: criteria provided, single submitter. Criteria: ACMG Guidelines, 2015. Collection method: not provided. Allele origin: germline. Inheritance: Autosomal recessive inheritance. Affected: yes.